The following is an entry in ClinVar:

NM_000368.5(TSC1):c.2987G>C (p.Cys996Ser)

Gene: TSC1 (TSC complex subunit 1; minus strand). Cytogenetic location: 9q34.13.
Variant type: single nucleotide variant.
Coding change: c.2987G>C on transcript NM_000368.5 (MANE Select); coding-DNA position 2987, G replaced by C.
Protein change: p.Cys996Ser; replaces cysteine 996 with serine.
Molecular consequence: missense variant. On other transcripts: non-coding transcript variant (5).
Genome position (GRCh38, 1-based): chr9:132,896,743, C>G on the plus strand (G>C on the coding strand, the complement: TSC1 is on the minus strand). VCF-style: chr9-132896743-C-G. GRCh37 (hg19) VCF-style: chr9-135772130-C-G.
Other names: c.2621G>C, p.Cys874Ser (NM_001406621.1, NM_001406622.1, NM_001406623.1 and 1 more transcripts); c.2582G>C, p.Cys861Ser (NM_001406624.1); c.2579G>C, p.Cys860Ser (NM_001406625.1); c.2624G>C, p.Cys875Ser (NM_001406615.1, NM_001406614.1, NM_001362177.2 and 4 more transcripts); c.2984G>C, p.Cys995Ser (NM_001406598.1, NM_001406599.1, NM_001406600.1 and 2 more transcripts); c.2972G>C, p.Cys991Ser (NM_001406601.1, NM_001406602.1); c.2969G>C, p.Cys990Ser (NM_001406603.1, NM_001406604.1); c.2945G>C, p.Cys982Ser (NM_001406605.1, NM_001406606.1, NM_001406607.1); and 8 more; short protein forms C645S, C678S, C679S, C860S, C861S, C874S, C875S, C930S.
Identifiers: ClinVar variation 3072731 (VCV003072731.3), dbSNP rs771810884, ClinGen allele CA375368027.

ClinVar aggregate classification (germline): Uncertain significance. Review status: criteria provided, multiple submitters, no conflicts (2 of 4 stars). 2 submissions from 2 submitters: Uncertain significance (2). Last evaluated 2025-03-31.

Conditions:
Tuberous sclerosis 1 (TSC1). Identifiers: Orphanet 805, MedGen C1854465, MONDO:0008612, OMIM 191100.
Tuberous sclerosis syndrome (TSC). Also called: Tuberous Sclerosis Complex; Tuberous sclerosis. Identifiers: Orphanet 805, MedGen C0041341, MONDO:0001734.

Submissions (2):

Labcorp Genetics (formerly Invitae), Labcorp
Classification: Uncertain significance for Tuberous sclerosis 1. Last evaluated: 2025-03-31. Review status: criteria provided, single submitter. Criteria: Invitae Variant Classification Sherloc (09022015). Collection method: clinical testing. Allele origin: germline.
Comment: This sequence change replaces cysteine, which is neutral and slightly polar, with serine, which is neutral and polar, at codon 996 of the TSC1 protein (p.Cys996Ser). This variant is not present in population databases (gnomAD no frequency). This variant has not been reported in the literature in individuals affected with TSC1-related conditions. ClinVar contains an entry for this variant (Variation ID: 3072731). Invitae Evidence Modeling of protein sequence and biophysical properties (such as structural, functional, and spatial information, amino acid conservation, physicochemical variation, residue mobility, and thermodynamic stability) indicates that this missense variant is not expected to disrupt TSC1 protein function with a negative predictive value of 95%. In summary, the available evidence is currently insufficient to determine the role of this variant in disease. Therefore, it has been classified as a Variant of Uncertain Significance.

All of Us Research Program, National Institutes of Health
Classification: Uncertain significance for Tuberous sclerosis syndrome. Last evaluated: 2023-08-15. Review status: criteria provided, single submitter. Criteria: ACMG Guidelines, 2015. Collection method: clinical testing. Allele origin: germline. Inheritance: Autosomal dominant inheritance. Observed: 1 variant allele, 1 heterozygote.
Comment: This study involves interpretation of variants in research participants for the purpose of population health screening. Participant phenotype was not available at the time of variant classification. Additional details can be found in publication PMID: 35346344, PMCID: PMC8962531